The following is an entry in ClinVar:

NM_032447.5(FBN3):c.188G>A (p.Arg63Gln)

Gene: FBN3 (fibrillin 3; minus strand). Cytogenetic location: 19p13.2.
Variant type: single nucleotide variant.
Coding change: c.188G>A on transcript NM_032447.5 (MANE Select); coding-DNA position 188, G replaced by A.
Protein change: p.Arg63Gln; replaces arginine 63 with glutamine.
Molecular consequence: missense variant.
Genome position (GRCh38, 1-based): chr19:8,147,166, C>T on the plus strand (G>A on the coding strand, the complement: FBN3 is on the minus strand). VCF-style: chr19-8147166-C-T. GRCh37 (hg19) VCF-style: chr19-8212050-C-T.
Other names: c.188G>A, p.Arg63Gln (NM_001321431.2); c.188G>A (NM_032447.3); short protein forms R63Q.
Identifiers: ClinVar variation 1380242 (VCV001380242.7), dbSNP rs201244581, ClinGen allele CA9153832.

ClinVar aggregate classification (germline): Uncertain significance. Review status: criteria provided, multiple submitters, no conflicts (2 of 4 stars). 2 submissions from 2 submitters: Uncertain significance (2). Last evaluated 2025-02-11.

Allele frequency attached by ClinVar (database versions not stated): ESP Exome Variant Server 0.00008; gnomAD 0.00009 and 0.00019; 1000 Genomes Project 30x 0.00016; 1000 Genomes Project 0.00020; TOPMed 0.00020.
gnomAD v4.1: 102 of 1,570,986 alleles (0.0065%); highest among the groups gnomAD compares: East Asian, 0.15%; no homozygotes.

Submissions (2):

Labcorp Genetics (formerly Invitae), Labcorp
Classification: Uncertain significance. Last evaluated: 2025-02-11. Review status: criteria provided, single submitter. Criteria: Invitae Variant Classification Sherloc (09022015). Collection method: clinical testing. Allele origin: germline.
Comment: This sequence change replaces arginine, which is basic and polar, with glutamine, which is neutral and polar, at codon 63 of the FBN3 protein (p.Arg63Gln). The frequency data for this variant in the population databases is considered unreliable, as metrics indicate poor data quality at this position in the gnomAD database. This variant has not been reported in the literature in individuals affected with FBN3-related conditions. ClinVar contains an entry for this variant (Variation ID: 1380242). An algorithm developed to predict the effect of missense changes on protein structure and function (PolyPhen-2) suggests that this variant is likely to be disruptive. In summary, the available evidence is currently insufficient to determine the role of this variant in disease. Therefore, it has been classified as a Variant of Uncertain Significance.

Ambry Genetics
Classification: Uncertain significance. Last evaluated: 2024-10-04. Review status: criteria provided, single submitter. Criteria: Ambry Variant Classification Scheme 2023. Collection method: clinical testing. Allele origin: germline.